The following is an entry in ClinVar:

ClinVar aggregate classification (germline): Conflicting classifications of pathogenicity. Review status: criteria provided, conflicting classifications (1 of 4 stars). 13 submissions from 13 submitters: Uncertain significance (2); Benign (6); Likely benign (2). 3 of the submissions do not count toward it. Last evaluated 2026-01-31.

Conditions:
Hereditary cancer-predisposing syndrome. Also called: Tumor predisposition; Hereditary neoplastic syndrome; Hereditary Cancer Syndrome; Neoplastic Syndromes, Hereditary. Identifiers: Orphanet 140162, MedGen C0027672, MeSH D009386, MONDO:0015356.
Hereditary breast ovarian cancer syndrome. Also called: Hereditary breast and/or ovarian cancer syndrome; Breast and ovarian cancer; Hereditary breast and ovarian cancer syndrome; Hereditary breast and ovarian cancer; Hereditary breast and ovarian cancer syndrome (HBOC); BRCA1- and BRCA2-Associated Hereditary Breast and Ovarian Cancer. Identifiers: Orphanet 145, MedGen C0677776, MeSH D061325, MONDO:0003582. Disease mechanism: loss of function.
Breast-ovarian cancer, familial, susceptibility to, 1 (BROVCA1). Also called: BRCA1 Hereditary Breast and Ovarian Cancer; OVARIAN CANCER, SUSCEPTIBILITY TO. Identifiers: Orphanet 145, MedGen C2676676, MONDO:0011450, OMIM 604370. Disease mechanism: loss of function.

Allele frequency attached by ClinVar (database versions not stated): gnomAD 0.00003 and 0.00004; TOPMed 0.00003; gnomAD exomes 0.00006 and 0.00008; ExAC 0.00012; 1000 Genomes Project 30x 0.00016; 1000 Genomes Project 0.00020.
gnomAD v4.1: 85 of 1,601,710 alleles (0.0053%); highest among the groups gnomAD compares: East Asian, 0.19%; no homozygotes.

Submissions (13):

Labcorp Genetics (formerly Invitae), Labcorp
Classification: Benign for Hereditary breast ovarian cancer syndrome. Last evaluated: 2026-01-31. Review status: criteria provided, single submitter. Criteria: Invitae Variant Classification Sherloc (09022015). Collection method: clinical testing. Allele origin: germline.

Center for Genomic Medicine, Rigshospitalet, Copenhagen University Hospital
Classification: Benign. Last evaluated: 2025-03-04. Review status: criteria provided, single submitter. Criteria: ACMG Guidelines, 2015. Collection method: clinical testing. Allele origin: germline.

All of Us Research Program, National Institutes of Health
Classification: Benign for Breast-ovarian cancer, familial, susceptibility to, 1. Last evaluated: 2023-11-30. Review status: criteria provided, single submitter. Criteria: ACMG Guidelines, 2015. Collection method: clinical testing. Allele origin: germline. Inheritance: Autosomal dominant inheritance. Observed: 2 variant alleles, 2 heterozygotes.
Comment: This study involves interpretation of variants in research participants for the purpose of population health screening. Participant phenotype was not available at the time of variant classification. Additional details can be found in publication PMID: 35346344, PMCID: PMC8962531

Blueprint Genetics
Classification: Likely benign. Last evaluated: 2023-10-06. Review status: criteria provided, single submitter. Criteria: ACMG Guidelines, 2015. Collection method: clinical testing. Allele origin: germline.

Sema4
Classification: Likely benign for Hereditary cancer-predisposing syndrome. Last evaluated: 2022-01-06. Review status: criteria provided, single submitter. Criteria: Sema4 Curation Guidelines. Collection method: curation. Allele origin: germline.

Genetic Services Laboratory, University of Chicago
Classification: Uncertain significance. Last evaluated: 2019-04-12. Review status: criteria provided, single submitter. Criteria: ACMG Guidelines, 2015. Collection method: clinical testing. Allele origin: germline. Affected: no.

Illumina Laboratory Services, Illumina
Classification: Uncertain significance for Breast-ovarian cancer, familial, susceptibility to, 1. Last evaluated: 2017-05-04. Review status: criteria provided, single submitter. Criteria: ICSL Variant Classification Criteria 13 December 2019. Collection method: clinical testing. Allele origin: germline.

Color Diagnostics, LLC DBA Color Health
Classification: Benign for Hereditary cancer-predisposing syndrome. Last evaluated: 2016-10-12. Review status: criteria provided, single submitter. Criteria: ACMG Guidelines, 2015. Collection method: clinical testing. Allele origin: germline.

Women's Health and Genetics/Laboratory Corporation of America, LabCorp
Classification: Benign. Last evaluated: 2016-03-26. Review status: criteria provided, single submitter. Criteria: LabCorp Variant Classification Summary - May 2015. Collection method: clinical testing. Allele origin: germline.
Comment: Variant Summary: The c.671-8A>G variant involves the alteration of a non-conserved nucleotide resulting in an intronic change. This variant is located at a position that is not widely known to affect splicing, 3/5 splicing prediction programs via Alamut predict no significant effect on splicing, and mutation taster predicts the variant to be a polymorphism. The variant was observed in the large and broad cohorts of the ExAC project at an allele frequency of 0.012%, predominantly observed in the East Asian subpopulation at a frequency of 0.18%. This frequency exceeds the maximal expected allele frequency for a pathogenic variant in BRCA1 (0.10%), suggesting this is a benign polymorphism found primarily in population(s) of East Asian origin. The variant has been reported in multiple databases to co-occur in individuals with pathogenic BRCA1 variants including two patients with c.2296_2297delAG, p.Ser766X (UMD), one patient with c.68_69delAG, p.Glu23ValfsX17 (UMD), and one patient with c.188T>A, p.Leu63Ter (BIC). Taken together, the multiple co-occurrences with pathogenic variants along with the intronic nature of the variant and the relatively high frequency in the East Asian population, this variant was classified as Benign.

GeneDx
Classification: Benign. Last evaluated: 2013-12-30. Review status: criteria provided, single submitter. Criteria: GeneDx Variant Classification (06012015). Collection method: clinical testing. Allele origin: germline. Affected: yes.
Comment: This variant is considered likely benign or benign based on one or more of the following criteria: it is a conservative change, it occurs at a poorly conserved position in the protein, it is predicted to be benign by multiple in silico algorithms, and/or has population frequency not consistent with disease.

Counsyl
Classification: Uncertain significance for Breast-ovarian cancer, familial, susceptibility to, 1. Last evaluated: 2017-06-23. Review status: no assertion criteria provided. Collection method: clinical testing. Allele origin: unknown. Not counted in ClinVar's aggregate classification.

Breast Cancer Information Core (BIC) (BRCA1)
Classification: Uncertain significance for Breast-ovarian cancer, familial 1. Last evaluated: 2004-02-20. Review status: no assertion criteria provided. Collection method: clinical testing. Allele origin: germline. Affected: yes. Observed: 3 variant alleles. Not counted in ClinVar's aggregate classification.

Department of Pathology and Laboratory Medicine, Sinai Health System
Classification: Uncertain significance. Review status: no assertion criteria provided. Collection method: clinical testing. Allele origin: unknown. Affected: yes. Observed: 1 variant allele. Study: The Canadian Open Genetics Repository (COGR). Not counted in ClinVar's aggregate classification.

Literature cited by the submitters: PubMed 28480178 (cited by Sema4 and Counsyl); PubMed 32467295 (cited by Sema4); PubMed 16267036 (cited by Women's Health and Genetics/Laboratory Corporation of America, LabCorp and Counsyl); PubMed 28364669 (cited by Counsyl); PubMed 28111427 (cited by Counsyl).

NM_007294.4(BRCA1):c.671-8A>G

Gene: BRCA1 (BRCA1 DNA repair associated; minus strand). Cytogenetic location: 17q21.31.
Variant type: single nucleotide variant.
Coding change: c.671-8A>G on transcript NM_007294.4 (MANE Select); 8 bases into the intron before coding-DNA position 671, A replaced by G.
Molecular consequence: intron variant.
Genome position (GRCh38, 1-based): chr17:43,094,868, T>C on the plus strand (A>G on the coding strand, the complement: BRCA1 is on the minus strand). VCF-style: chr17-43094868-T-C. GRCh37 (hg19) VCF-style: chr17-41246885-T-C.
Other names: IVS10-8A>G; c.458-8A>G (NM_001407897.1, NM_001407898.1, NM_001408491.1 and 12 more transcripts); c.338-8A>G (NM_001407947.1, NM_001407957.1, NM_001407953.1 and 7 more transcripts); c.461-8A>G (NM_001408514.1, NM_001408485.1, NM_001407908.1 and 25 more transcripts); c.545-8A>G (NM_001408447.1, NM_001408433.1, NM_001407690.1 and 20 more transcripts); c.668-8A>G (NM_001408400.1, NM_001408392.1, NM_001407986.1 and 38 more transcripts); c.548-8A>G (NM_001408441.1, NM_001408437.1, NM_001408429.1 and 34 more transcripts); c.671-8A>G (NM_001407979.1, NM_001407977.1, NM_001407642.1 and 53 more transcripts); and 21 more.
Identifiers: ClinVar variation 136539 (VCV000136539.29), dbSNP rs80358144, ClinGen allele CA003807.